The following is an entry in ClinVar:

NM_000051.4(ATM):c.7784A>T (p.Asp2595Val)

Genes: ATM (ATM serine/threonine kinase; plus strand), C11orf65 (chromosome 11 open reading frame 65; minus strand). Cytogenetic location: 11q22.3.
Variant type: single nucleotide variant.
Coding change: c.7784A>T on transcript NM_000051.4 (MANE Select); coding-DNA position 7784, A replaced by T.
Protein change: p.Asp2595Val; replaces aspartic acid 2595 with valine.
Molecular consequence: missense variant. On other transcripts: intron variant (2).
Genome position (GRCh38, 1-based): chr11:108,332,033, A>T. VCF-style: chr11-108332033-A-T. GRCh37 (hg19) VCF-style: chr11-108202760-A-T.
Other names: c.7784A>T, p.Asp2595Val (NM_001351834.2); c.641-22962T>A (NM_001330368.2); c.*38+3187T>A (NM_001351110.2); short protein forms D2595V.
Identifiers: ClinVar variation 3801655 (VCV003801655.1).
Genomic context (GRCh38, chr11:108,332,033, plus strand): 5'-CAGAGGTAGCCAGAAGAAGCAGAATAACTAAAAATGTGCCTAAACAAAGCTCTCAGCTTG[A>T]TGAGGTATTTGGATTAAACATACGTACCTTTTAGAAGTGTGATATTCAGTCTTTCCTAGA-3'
Protein context (NP_000042.3, residues 2585-2605): KNVPKQSSQL[Asp2595Val]EDRTEAANRI

ClinVar aggregate classification (germline): Uncertain significance (1 of 4 stars; one submission).

Conditions:
Hereditary cancer-predisposing syndrome. Also called: Neoplastic Syndromes, Hereditary; Tumor predisposition; Hereditary Cancer Syndrome; Hereditary neoplastic syndrome. Identifiers: Orphanet 140162, MedGen C0027672, MeSH D009386, MONDO:0015356.

Submission:

Ambry Genetics
Classification: Uncertain significance for Hereditary cancer-predisposing syndrome. Last evaluated: 2025-01-05. Review status: criteria provided, single submitter. Criteria: Ambry Variant Classification Scheme 2023. Collection method: clinical testing. Allele origin: germline.
Comment: The p.D2595V variant (also known as c.7784A>T), located in coding exon 51 of the ATM gene, results from an A to T substitution at nucleotide position 7784. The aspartic acid at codon 2595 is replaced by valine, an amino acid with highly dissimilar properties. This amino acid position is conserved. In addition, this alteration is predicted to be deleterious by in silico analysis. Based on the available evidence, the clinical significance of this variant remains unclear.